The following is an entry in ClinVar:

NM_015512.5(DNAH1):c.10706G>C (p.Arg3569Pro)

Gene: DNAH1 (dynein axonemal heavy chain 1; plus strand). Cytogenetic location: 3p21.1.
Variant type: single nucleotide variant.
Coding change: c.10706G>C on transcript NM_015512.5 (MANE Select); coding-DNA position 10706, G replaced by C.
Protein change: p.Arg3569Pro; replaces arginine 3569 with proline.
Molecular consequence: missense variant.
Genome position (GRCh38, 1-based): chr3:52,394,544, G>C. VCF-style: chr3-52394544-G-C. GRCh37 (hg19) VCF-style: chr3-52428560-G-C.
Other names: short protein forms R3569P.
Identifiers: ClinVar variation 3762076 (VCV003762076.2).

ClinVar aggregate classification (germline): Uncertain significance (1 of 4 stars; one submission).

Conditions:
Spermatogenic failure 18. Identifiers: MedGen C4539783, MONDO:0054615, OMIM 617576.
Ciliary dyskinesia, primary, 37 (CILD37). Also called: CILIARY DYSKINESIA, PRIMARY, 37, WITH OR WITHOUT SITUS INVERSUS. Identifiers: MedGen C4539798, MONDO:0033204, OMIM 617577.

gnomAD v4.1: 12 of 1,613,840 alleles (0.00074%); highest among the groups gnomAD compares: Admixed American, 0.005%; no homozygotes.

Submission:

Labcorp Genetics (formerly Invitae), Labcorp
Classification: Uncertain significance for Ciliary dyskinesia, primary, 37; Spermatogenic failure 18. Last evaluated: 2024-08-08. Review status: criteria provided, single submitter. Criteria: Invitae Variant Classification Sherloc (09022015). Collection method: clinical testing. Allele origin: germline.
Comment: This sequence change replaces arginine, which is basic and polar, with proline, which is neutral and non-polar, at codon 3569 of the DNAH1 protein (p.Arg3569Pro). This variant is present in population databases (no rsID available, gnomAD 0.01%). This variant has not been reported in the literature in individuals affected with DNAH1-related conditions. Advanced modeling of protein sequence and biophysical properties (such as structural, functional, and spatial information, amino acid conservation, physicochemical variation, residue mobility, and thermodynamic stability) performed at Invitae indicates that this missense variant is not expected to disrupt DNAH1 protein function with a negative predictive value of 80%. In summary, the available evidence is currently insufficient to determine the role of this variant in disease. Therefore, it has been classified as a Variant of Uncertain Significance.